The following is an entry in ClinVar:

ClinVar aggregate classification (germline): Uncertain significance (1 of 4 stars; one submission).

Conditions:
Hypertrophic cardiomyopathy. Also called: HYPERTROPHIC MYOCARDIOPATHY. Identifiers: Orphanet 217569, MedGen C0007194, MeSH D002312, MONDO:0005045, HP:0001639.

Submission:

Labcorp Genetics (formerly Invitae), Labcorp
Classification: Uncertain significance for Hypertrophic cardiomyopathy. Last evaluated: 2023-09-15. Review status: criteria provided, single submitter. Criteria: Invitae Variant Classification Sherloc (09022015). Collection method: clinical testing. Allele origin: germline.
Comment: This variant is not present in population databases (gnomAD no frequency). This sequence change replaces aspartic acid, which is acidic and polar, with tyrosine, which is neutral and polar, at codon 175 of the TPM1 protein (p.Asp175Tyr). This variant has not been reported in the literature in individuals affected with TPM1-related conditions. In summary, the available evidence is currently insufficient to determine the role of this variant in disease. Therefore, it has been classified as a Variant of Uncertain Significance. This variant disrupts the p.Asp175 amino acid residue in TPM1. Other variant(s) that disrupt this residue have been determined to be pathogenic (PMID: 7729014, 8205619, 9060904, 22462493, 25548289). This suggests that this residue is clinically significant, and that variants that disrupt this residue are likely to be disease-causing. An algorithm developed to predict the effect of missense changes on protein structure and function (PolyPhen-2) suggests that this variant is likely to be disruptive.

Literature cited by the submitters: PubMed 7729014; PubMed 8205619; PubMed 9060904; PubMed 22462493; PubMed 25548289.

NM_001018005.2(TPM1):c.523G>T (p.Asp175Tyr)

Gene: TPM1 (tropomyosin 1; plus strand). Cytogenetic location: 15q22.2.
Variant type: single nucleotide variant.
Coding change: c.523G>T on transcript NM_001018005.2 (MANE Select); coding-DNA position 523, G replaced by T.
Protein change: p.Asp175Tyr; replaces aspartic acid 175 with tyrosine.
Molecular consequence: missense variant. On other transcripts: non-coding transcript variant (17).
Genome position (GRCh38, 1-based): chr15:63,060,899, G>T. VCF-style: chr15-63060899-G-T. GRCh37 (hg19) VCF-style: chr15-63353098-G-T.
Other names: c.523G>T, p.Asp175Tyr (NM_000366.6, NM_001018004.2, NM_001018006.2 and 20 more transcripts); c.415G>T, p.Asp139Tyr (NM_001018008.2, NM_001301289.2, NM_001330344.2 and 9 more transcripts); c.649G>T, p.Asp217Tyr (NM_001365778.1, NM_001407322.1, NM_001407323.1 and 1 more transcripts); short protein forms D175Y, D217Y, D139Y.
Identifiers: ClinVar variation 2904897 (VCV002904897.3), dbSNP rs104894503, ClinGen allele CA392723172.